The following is an entry in ClinVar:

ClinVar aggregate classification (germline): Uncertain significance (1 of 4 stars; one submission).

gnomAD v4.1: 2 of 1,614,002 alleles (0.00012%); highest among the groups gnomAD compares: Middle Eastern, 0.033%; no homozygotes.

Submission:

GeneDx
Classification: Uncertain significance. Last evaluated: 2024-08-15. Review status: criteria provided, single submitter. Criteria: GeneDx Variant Classification Process June 2021. Collection method: clinical testing. Allele origin: germline. Affected: yes.
Comment: Not observed at significant frequency in large population cohorts (gnomAD); Missense variant in a gene in which most reported pathogenic variants are truncating/loss of function; Has not been previously published as pathogenic or benign to our knowledge

NM_001267550.2(TTN):c.9536G>T (p.Trp3179Leu)

Gene: TTN (titin; minus strand). Cytogenetic location: 2q31.2.
Variant type: single nucleotide variant.
Coding change: c.9536G>T on transcript NM_001267550.2 (MANE Select); coding-DNA position 9536, G replaced by T.
Protein change: p.Trp3179Leu; replaces tryptophan 3179 with leucine.
Molecular consequence: missense variant.
Genome position (GRCh38, 1-based): chr2:178,766,548, C>A on the plus strand (G>T on the coding strand, the complement: TTN is on the minus strand). VCF-style: chr2-178766548-C-A. GRCh37 (hg19) VCF-style: chr2-179631275-C-A.
Other names: c.9536G>T, p.Trp3179Leu (NM_001256850.1, NM_133378.4, NM_133379.5); c.9398G>T, p.Trp3133Leu (NM_003319.4, NM_133432.3, NM_133437.4); short protein forms W3133L, W3179L.
Identifiers: ClinVar variation 3731159 (VCV003731159.1).